The following is an entry in ClinVar:

ClinVar aggregate classification (germline): Uncertain significance (1 of 4 stars; one submission).

Conditions:
Nephronophthisis. Also called: Juvenile Nephronophthisis. Identifiers: Orphanet 655, MedGen C0687120, MONDO:0019005, HP:0000090.

Submission:

Labcorp Genetics (formerly Invitae), Labcorp
Classification: Uncertain significance for Nephronophthisis. Last evaluated: 2023-08-24. Review status: criteria provided, single submitter. Criteria: Invitae Variant Classification Sherloc (09022015). Collection method: clinical testing. Allele origin: germline.
Comment: This variant results in a copy number gain of the genomic region encompassing exon(s) 6-30 of the NPHP4 gene. This region includes the termination codon of the gene. This copy number gain extends beyond the assayed region for this gene and therefore may encompass additional genes. As the precise location of this event is unknown, it may be in tandem or it may be located elsewhere in the genome. This variant has not been reported in the literature in individuals affected with NPHP4-related conditions. Experimental studies and prediction algorithms are not available or were not evaluated, and the functional significance of this variant is currently unknown. In summary, the available evidence is currently insufficient to determine the role of this variant in disease. Therefore, it has been classified as a Variant of Uncertain Significance.

NC_000001.10:g.(?_5923325)_(6022029_?)dup

Gene: NPHP4 (nephrocystin 4; minus strand). Cytogenetic location: 1p36.31.
Variant type: Duplication.
Identifiers: ClinVar variation 1375748 (VCV001375748.4).